The following is an entry in ClinVar:

NM_001164508.2(NEB):c.19810G>C (p.Val6604Leu)

Gene: NEB (nebulin; minus strand). Cytogenetic location: 2q23.3.
Variant type: single nucleotide variant.
Coding change: c.19810G>C on transcript NM_001164508.2 (MANE Select); coding-DNA position 19810, G replaced by C.
Protein change: p.Val6604Leu; replaces valine 6604 with leucine.
Molecular consequence: missense variant.
Genome position (GRCh38, 1-based): chr2:151,552,698, C>G on the plus strand (G>C on the coding strand, the complement: NEB is on the minus strand). VCF-style: chr2-151552698-C-G. GRCh37 (hg19) VCF-style: chr2-152409212-C-G.
Other names: c.19810G>C, p.Val6604Leu (NM_001164507.2, NM_001271208.2); c.14707G>C, p.Val4903Leu (NM_004543.5); short protein forms V4903L, V6604L.
Identifiers: ClinVar variation 668248 (VCV000668248.1), dbSNP rs1577221319, ClinGen allele CA348787680.

ClinVar aggregate classification (germline): Likely benign (1 of 4 stars; one submission).

Submission:

GeneDx
Classification: Likely benign. Last evaluated: 2018-05-21. Review status: criteria provided, single submitter. Criteria: GeneDx Variant Classification (06012015). Collection method: clinical testing. Allele origin: germline. Affected: yes.
Comment: This variant is considered likely benign or benign based on one or more of the following criteria: it is a conservative change, it occurs at a poorly conserved position in the protein, it is predicted to be benign by multiple in silico algorithms, and/or has population frequency not consistent with disease.